The following is an entry in ClinVar:

NM_002109.6(HARS1):c.262G>A (p.Gly88Ser)

Gene: HARS1 (histidyl-tRNA synthetase 1; minus strand). Cytogenetic location: 5q31.3.
Variant type: single nucleotide variant.
Coding change: c.262G>A on transcript NM_002109.6 (MANE Select); coding-DNA position 262, G replaced by A.
Protein change: p.Gly88Ser; replaces glycine 88 with serine.
Molecular consequence: missense variant. On other transcripts: intron variant (3).
Genome position (GRCh38, 1-based): chr5:140,683,138, C>T on the plus strand (G>A on the coding strand, the complement: HARS1 is on the minus strand). VCF-style: chr5-140683138-C-T. GRCh37 (hg19) VCF-style: chr5-140062723-C-T.
Other names: c.262G>A, p.Gly88Ser (NM_001258041.3, NM_001289092.2); c.175G>A, p.Gly59Ser (NM_001289094.2); c.181-5123G>A (NM_001289093.2); c.181-3255G>A (NM_001258042.3, NM_001258040.3); c.262G>A (NM_002109.5); short protein forms G59S, G88S.
Identifiers: ClinVar variation 1680361 (VCV001680361.13), dbSNP rs574448668, ClinGen allele CA3444151.

ClinVar aggregate classification (germline): Uncertain significance. Review status: criteria provided, multiple submitters, no conflicts (2 of 4 stars). 4 submissions from 4 submitters: Uncertain significance (4). Last evaluated 2026-09-26.

Conditions:
Usher syndrome type 3B. Also called: USHER SYNDROME, TYPE IIIB. Identifiers: MedGen C3281066, MONDO:0013788, OMIM 614504.
HARS1-related disorder. Also called: HARS1-related condition.

Allele frequency attached by ClinVar (database versions not stated): ExAC 0.00001; gnomAD 0.00001; gnomAD exomes 0.00001 and 0.00002; TOPMed 0.00001; 1000 Genomes Project 30x 0.00016; 1000 Genomes Project 0.00020.
gnomAD v4.1: 25 of 1,614,034 alleles (0.0015%); highest among the groups gnomAD compares: East Asian, 0.0022%; no homozygotes.

Submissions (4):

PreventionGenetics, part of Exact Sciences
Classification: Uncertain significance for HARS1-related condition. Last evaluated: 2026-09-26. Review status: criteria provided, single submitter. Criteria: ACMG Guidelines, 2015. Collection method: clinical testing. Allele origin: germline.
Comment: The HARS1 c.262G>A variant is predicted to result in the amino acid substitution p.Gly88Ser. This variant was reported in the compound heterozygous state with a variant of uncertain significance in an individual with Usher syndrome (Tiwari et al. 2016. PubMed ID: 27353947). This variant is reported in 0.011% of alleles in individuals of East Asian descent in gnomAD. At this time, the clinical significance of this variant is uncertain due to the absence of conclusive functional and genetic evidence.

GeneDx
Classification: Uncertain significance. Last evaluated: 2024-06-17. Review status: criteria provided, single submitter. Criteria: GeneDx Variant Classification Process June 2021. Collection method: clinical testing. Allele origin: germline. Affected: yes.
Comment: Identified with a second HARS1 variant in a patient with Usher syndrome in published literature (PMID: 27353947); Not observed at significant frequency in large population cohorts (gnomAD); In silico analysis supports that this missense variant has a deleterious effect on protein structure/function; This variant is associated with the following publications: (PMID: 32372680, 31964843, 35353227, 27353947)

Labcorp Genetics (formerly Invitae), Labcorp
Classification: Uncertain significance for Usher syndrome type 3B. Last evaluated: 2024-02-03. Review status: criteria provided, single submitter. Criteria: Invitae Variant Classification Sherloc (09022015). Collection method: clinical testing. Allele origin: germline.
Comment: This sequence change replaces glycine, which is neutral and non-polar, with serine, which is neutral and polar, at codon 88 of the HARS protein (p.Gly88Ser). This variant is present in population databases (rs574448668, gnomAD 0.01%). This missense change has been observed in individual(s) with Usher syndrome (PMID: 27353947). ClinVar contains an entry for this variant (Variation ID: 1680361). Advanced modeling of protein sequence and biophysical properties (such as structural, functional, and spatial information, amino acid conservation, physicochemical variation, residue mobility, and thermodynamic stability) has been performed at Invitae for this missense variant, however the output from this modeling did not meet the statistical confidence thresholds required to predict the impact of this variant on HARS protein function. In summary, the available evidence is currently insufficient to determine the role of this variant in disease. Therefore, it has been classified as a Variant of Uncertain Significance.

Revvity Omics, Revvity
Classification: Uncertain significance. Last evaluated: 2022-10-13. Review status: criteria provided, single submitter. Criteria: ACMG Guidelines, 2015. Collection method: clinical testing. Allele origin: germline.

Literature cited by the submitters: PubMed 27353947 (cited by Labcorp Genetics (formerly Invitae), Labcorp).